The following continues an entry in ClinVar:

NM_004360.5(CDH1):c.324A>G (p.Arg108=)

Gene: CDH1. ClinVar aggregate classification (germline): Benign. Benign (1).

Submissions 21 to 24 of 24:

Department of Pathology and Laboratory Medicine, Sinai Health System
Classification: Likely benign for Malignant tumor of breast. Review status: no assertion criteria provided. Collection method: clinical testing. Allele origin: unknown. Affected: yes. Observed: 1 variant allele. Study: The Canadian Open Genetics Repository (COGR). Not counted in ClinVar's aggregate classification.
Comment: The CDH1 p.Arg108= variant was identified in 3 of 594 proband chromosomes (frequency: 0.005) from Canadian and Brazilian individuals or families with early-onset gastric cancer or nonsyndromic orofacial cleft (reportedly associated with gastric cancer), and in 6 of 1218 chromosomes (frequency: 0.005) from healthy individuals (Bacani_2006_16801346, Brito_2015_26123647, ). The variant was also identified in dbSNP (ID: rs116542018) â€šÃ„ÃºWith Likely benign alleleâ€šÃ„Ã¹, ClinVar (classified benign by GeneDx, Invitae and EGL Genetic Diagnostics (Eurofins Clinical Diagnostics), and likely benign by Ambry Genetics), Clinvitae (4x), Insight Colon Cancer Gene Variant Database (2x), and in control databases in 288 (1 homozygous) of 276950 chromosomes at a frequency of 0.001 increasing the likelihood this could be a low frequency benign variant (Genome Aggregation Database Feb 27, 2017). Breakdown of the observations by population include African in 187 of 24030 chromosomes (freq: 0.008), Other in 4 of 6462 chromosomes (freq: 0.0006), Latino in 32 of 34418 chromosomes (freq: 0.0009), European Non-Finnish in 43 (1 homozygous) of 126460 chromosomes (freq: 0.0003), East Asian in 1 of 18866 chromosomes (freq: 0.00005), European Finnish in 20 of 25792 chromosomes (freq: 0.0008), and South Asian in 1 of 30780 chromosomes (freq: 0.00003), while not observed in the Ashkenazi Jewish population. The variant was not identified in Cosmic, MutDB, or Zhejiang Colon Cancer Database. The p.Arg108= variant is not expected to have clinical significance because it does not result in a change of amino acid and is not located in a known consensus splice site. In summary, based on the above information the clinical significance of this variant cannot be determined with certainty at this time although we would lean towards a more benign role for this variant. This variant is classified as likely benign.

Genome Diagnostics Laboratory, Amsterdam University Medical Center
Classification: Benign. Review status: no assertion criteria provided. Collection method: clinical testing. Allele origin: germline. Affected: yes. Study: VKGL Data-share Consensus. Not counted in ClinVar's aggregate classification.

Joint Genome Diagnostic Labs from Nijmegen and Maastricht, Radboudumc and MUMC+
Classification: Likely benign. Review status: no assertion criteria provided. Collection method: clinical testing. Allele origin: germline. Affected: yes. Study: VKGL Data-share Consensus. Not counted in ClinVar's aggregate classification.

Mayo Clinic Laboratories, Mayo Clinic
Classification: Likely benign. Review status: no assertion criteria provided. Collection method: clinical testing. Allele origin: unknown. Not counted in ClinVar's aggregate classification.

Literature cited by the submitters: PubMed 36436516 (cited by European Reference Network on Genetic Tumour Risk Syndromes (ERN-GENTURIS), i3s - Instituto de Investigação e Inovação em Saúde, University of Porto); PubMed 26123647 (cited by Women's Health and Genetics/Laboratory Corporation of America, LabCorp); PubMed 16801346 (cited by Women's Health and Genetics/Laboratory Corporation of America, LabCorp).